The following is an entry in ClinVar:

NM_001323342.2(AHCTF1):c.4449G>A (p.Ala1483=)

Gene: AHCTF1 (AT-hook containing transcription factor 1; minus strand). Cytogenetic location: 1q44.
Variant type: single nucleotide variant.
Coding change: c.4449G>A on transcript NM_001323342.2 (MANE Select); coding-DNA position 4449, G replaced by A.
Protein change: p.Ala1483=; no amino-acid change (alanine 1483 retained).
Molecular consequence: synonymous variant. On other transcripts: non-coding transcript variant (1).
Genome position (GRCh38, 1-based): chr1:246,853,205, C>T on the plus strand (G>A on the coding strand, the complement: AHCTF1 is on the minus strand). VCF-style: chr1-246853205-C-T. GRCh37 (hg19) VCF-style: chr1-247016507-C-T.
Other names: c.4449G>A, p.Ala1483= (NM_001323343.2); c.4554G>A, p.Ala1518= (NM_001410950.1); c.4476G>A, p.Ala1492= (NM_015446.5).
Identifiers: ClinVar variation 2640239 (VCV002640239.24), dbSNP rs143330344, ClinGen allele CA1491417.

ClinVar aggregate classification (germline): Likely benign (1 of 4 stars; one submission).

Allele frequency attached by ClinVar (database versions not stated): 1000 Genomes Project 30x 0.00031; gnomAD exomes 0.00033; 1000 Genomes Project 0.00040; ExAC 0.00042; gnomAD 0.00042; ESP Exome Variant Server 0.00054; TOPMed 0.00059.
gnomAD v4.1: 553 of 1,613,450 alleles (0.034%); highest among the groups gnomAD compares: African/African-American, 0.069%; no homozygotes.

Submission:

CeGaT Center for Human Genetics Tuebingen
Classification: Likely benign. Last evaluated: 2022-05-01. Review status: criteria provided, single submitter. Criteria: CeGaT Center For Human Genetics Tuebingen Variant Classification Criteria Version 2. Collection method: clinical testing. Allele origin: germline. Affected: yes. Observed: 1 variant allele.
Comment: AHCTF1: BP4, BP7